The following is an entry in ClinVar:

ClinVar aggregate classification (germline): Likely benign. Review status: criteria provided, multiple submitters, no conflicts (2 of 4 stars). 3 submissions from 3 submitters: Likely benign (2). 1 of the submissions does not count toward it. Last evaluated 2026-09-01.

Conditions:
MTHFS-related disorder. Also called: MTHFS-related condition.

Allele frequency attached by ClinVar (database versions not stated): gnomAD 0.00003; TOPMed 0.00003; gnomAD exomes 0.00006; ExAC 0.00010.
gnomAD v4.1: 37 of 1,614,010 alleles (0.0023%); highest among the groups gnomAD compares: Admixed American, 0.062%; 1 homozygote.

Submissions (3):

CeGaT Center for Human Genetics Tuebingen
Classification: Likely benign. Last evaluated: 2026-09-01. Review status: criteria provided, single submitter. Criteria: CeGaT Center For Human Genetics Tuebingen Variant Classification Criteria Version 2. Collection method: clinical testing. Allele origin: germline. Affected: yes. Observed: 1 variant allele.
Comment: ST20-MTHFS: BP4, BP7; MTHFS: BP4, BP7

Labcorp Genetics (formerly Invitae), Labcorp
Classification: Likely benign. Last evaluated: 2026-02-01. Review status: criteria provided, single submitter. Criteria: Invitae Variant Classification Sherloc (09022015). Collection method: clinical testing. Allele origin: germline.

PreventionGenetics, part of Exact Sciences
Classification: Likely benign for MTHFS-related condition. Last evaluated: 2023-02-01. Review status: no assertion criteria provided. Collection method: clinical testing. Allele origin: germline. Not counted in ClinVar's aggregate classification.
Comment: This variant is classified as likely benign based on ACMG/AMP sequence variant interpretation guidelines (Richards et al. 2015 PMID: 25741868, with internal and published modifications).

NM_006441.4(MTHFS):c.150A>G (p.Lys50=)

Genes: MTHFS (methenyltetrahydrofolate synthetase; minus strand), ST20-MTHFS (ST20-MTHFS readthrough; minus strand). Cytogenetic location: 15q25.1.
Variant type: single nucleotide variant.
Coding change: c.150A>G on transcript NM_006441.4 (MANE Select); coding-DNA position 150, A replaced by G.
Protein change: p.Lys50=; no amino-acid change (lysine 50 retained).
Molecular consequence: synonymous variant. On other transcripts: 5 prime UTR variant (1), non-coding transcript variant (1).
Genome position (GRCh38, 1-based): chr15:79,889,322, T>C on the plus strand (A>G on the coding strand, the complement: MTHFS is on the minus strand). VCF-style: chr15-79889322-T-C. GRCh37 (hg19) VCF-style: chr15-80181664-T-C.
Other names: c.78A>G, p.Lys26= (NM_001199760.2); c.-22A>G (NM_001199758.1).
Identifiers: ClinVar variation 2144957 (VCV002144957.7), dbSNP rs774395304, ClinGen allele CA7690344.
Genomic context (GRCh38, chr15:79,889,322, plus strand): 5'-GTCCTTGATGATCTCTTCTGTCTCAATTTCATCTTGCATGCTCAGAAAGATGGAAATTCT[T>C]TTGGACTTTTGATACTCACTGTGGGCAATCACCTAAATGGGAAATTATGGCAATTATATT-3'
Protein context (NP_006432.1, residues 40-60): VIAHSEYQKS[Lys50=]RISIFLSMQD